The following is an entry in ClinVar:

NM_000059.4(BRCA2):c.8125A>C (p.Ser2709Arg)

Gene: BRCA2 (BRCA2 DNA repair associated; plus strand). Cytogenetic location: 13q13.1.
Variant type: single nucleotide variant.
Coding change: c.8125A>C on transcript NM_000059.4 (MANE Select); coding-DNA position 8125, A replaced by C.
Protein change: p.Ser2709Arg; replaces serine 2709 with arginine.
Molecular consequence: missense variant. On other transcripts: non-coding transcript variant (1).
Genome position (GRCh38, 1-based): chr13:32,363,327, A>C. VCF-style: chr13-32363327-A-C. GRCh37 (hg19) VCF-style: chr13-32937464-A-C.
Other names: c.8029A>C, p.Ser2677Arg (NM_001406719.1); c.8125A>C, p.Ser2709Arg (NM_001406720.1, NM_001432077.1); c.3193A>C, p.Ser1065Arg (NM_001406721.1); c.1708A>C, p.Ser570Arg (NM_001406722.1); short protein forms S2677R, S1065R, S2709R, S570R.
Identifiers: ClinVar variation 3636532 (VCV003636532.2).
Genomic context (GRCh38, chr13:32,363,327, plus strand): 5'-TGTGTTTCTGACATAATTTCATTGAGCGCAAATATATCTGAAACTTCTAGCAATAAAACT[A>C]GTAGTGCAGATACCCAAAAAGTGGCCATTATTGAACTTACAGATGGGTGGTATGCTGTTA-3'
Protein context (NP_000050.3, residues 2699-2719): NISETSSNKT[Ser2709Arg]SADTQKVAII

ClinVar aggregate classification (germline): Uncertain significance (1 of 4 stars; one submission).

Conditions:
Hereditary breast ovarian cancer syndrome. Also called: Hereditary breast and ovarian cancer syndrome; Hereditary breast and ovarian cancer syndrome (HBOC); BRCA1- and BRCA2-Associated Hereditary Breast and Ovarian Cancer; Hereditary breast and ovarian cancer; Breast and ovarian cancer; Hereditary breast and/or ovarian cancer syndrome. Identifiers: Orphanet 145, MedGen C0677776, MeSH D061325, MONDO:0003582. Disease mechanism: loss of function.

Submission:

Labcorp Genetics (formerly Invitae), Labcorp
Classification: Uncertain significance for Hereditary breast ovarian cancer syndrome. Last evaluated: 2024-02-13. Review status: criteria provided, single submitter. Criteria: Invitae Variant Classification Sherloc (09022015). Collection method: clinical testing. Allele origin: germline.
Comment: This sequence change replaces serine, which is neutral and polar, with arginine, which is basic and polar, at codon 2709 of the BRCA2 protein (p.Ser2709Arg). This variant is not present in population databases (gnomAD no frequency). This variant has not been reported in the literature in individuals affected with BRCA2-related conditions. Advanced modeling of protein sequence and biophysical properties (such as structural, functional, and spatial information, amino acid conservation, physicochemical variation, residue mobility, and thermodynamic stability) performed at Invitae indicates that this missense variant is not expected to disrupt BRCA2 protein function with a negative predictive value of 95%. In summary, the available evidence is currently insufficient to determine the role of this variant in disease. Therefore, it has been classified as a Variant of Uncertain Significance.